The following is an entry in ClinVar:

ClinVar aggregate classification (germline): Conflicting classifications of pathogenicity. Review status: criteria provided, conflicting classifications (1 of 4 stars). 2 submissions from 2 submitters: Likely pathogenic (1); Uncertain significance (1). Last evaluated 2025-04-14.

Conditions:
Niemann-Pick disease, type C1. Also called: NIEMANN-PICK DISEASE, VARIANT TYPE C1; NEUROVISCERAL STORAGE DISEASE WITH VERTICAL SUPRANUCLEAR OPHTHALMOPLEGIA; NIEMANN-PICK DISEASE WITH CHOLESTEROL ESTERIFICATION BLOCK; NIEMANN-PICK DISEASE WITHOUT SPHINGOMYELINASE DEFICIENCY; NIEMANN-PICK DISEASE, CHRONIC NEURONOPATHIC FORM. Identifiers: Orphanet 646, MedGen C3179455, MONDO:0009757, OMIM 257220.

Allele frequency attached by ClinVar (database versions not stated): ExAC 0.00002; gnomAD exomes 0.00002; gnomAD 0.00003; TOPMed 0.00004.
gnomAD v4.1: 35 of 1,614,010 alleles (0.0022%); highest among the groups gnomAD compares: East Asian, 0.0045%; no homozygotes.

Submissions (2):

Natera, Inc.
Classification: Likely pathogenic for Niemann-Pick disease type C1. Last evaluated: 2025-04-14. Review status: criteria provided, single submitter. Criteria: Natera Variant Classification Schema (03/2026). Collection method: clinical testing. Allele origin: germline.
Comment: The c.3176G>A variant in NPC1 is a missense variant predicted to cause substitution of arginine to glutamine at amino acid 1059. This variant is rare in the general population with a frequency below the threshold expected for the associated phenotype(s). This variant has been observed in one or more individuals affected with the associated recessive disease, as either homozygous or compound heterozygous with a second variant (PMID: 17003072, 28082351, 27139891, 36265573). Computational prediction algorithms indicate this variant is likely to affect gene or protein function. Given the available evidence, this variant is classified as Likely Pathogenic.

Labcorp Genetics (formerly Invitae), Labcorp
Classification: Uncertain significance for Niemann-Pick disease, type C1. Last evaluated: 2021-08-20. Review status: criteria provided, single submitter. Criteria: Invitae Variant Classification Sherloc (09022015). Collection method: clinical testing. Allele origin: germline.
Comment: This sequence change replaces arginine with glutamine at codon 1059 of the NPC1 protein (p.Arg1059Gln). The arginine residue is moderately conserved and there is a small physicochemical difference between arginine and glutamine. This variant is present in population databases (rs771000314, ExAC 0.02%). This missense change has been observed in individual(s) with clinical features of Niemann-Pick (PMID: 12955717, 26666848). Algorithms developed to predict the effect of missense changes on protein structure and function output the following: SIFT: "Tolerated"; PolyPhen-2: "Benign"; Align-GVGD: "Class C0". The glutamine amino acid residue is found in multiple mammalian species, which suggests that this missense change does not adversely affect protein function. In summary, the available evidence is currently insufficient to determine the role of this variant in disease. Therefore, it has been classified as a Variant of Uncertain Significance.

Literature cited by the submitters: PubMed 17003072 (cited by Natera, Inc.); PubMed 28082351 (cited by Natera, Inc.); PubMed 27139891 (cited by Natera, Inc.); PubMed 36265573 (cited by Natera, Inc.); PubMed 12955717 (cited by Labcorp Genetics (formerly Invitae), Labcorp); PubMed 26666848 (cited by Labcorp Genetics (formerly Invitae), Labcorp).

NM_000271.5(NPC1):c.3176G>A (p.Arg1059Gln)

Gene: NPC1 (NPC intracellular cholesterol transporter 1; minus strand). Cytogenetic location: 18q11.2.
Variant type: single nucleotide variant.
Coding change: c.3176G>A on transcript NM_000271.5 (MANE Select); coding-DNA position 3176, G replaced by A.
Protein change: p.Arg1059Gln; replaces arginine 1059 with glutamine.
Molecular consequence: missense variant.
Genome position (GRCh38, 1-based): chr18:23,536,742, C>T on the plus strand (G>A on the coding strand, the complement: NPC1 is on the minus strand). VCF-style: chr18-23536742-C-T. GRCh37 (hg19) VCF-style: chr18-21116706-C-T.
Other names: c.3176G>A (NM_000271.4); short protein forms R1059Q.
Identifiers: ClinVar variation 2138132 (VCV002138132.3), dbSNP rs771000314, ClinGen allele CA8912846.
Genomic context (GRCh38, chr18:23,536,742, plus strand): 5'-AATACTCGGTAGGCACTGCCGTTAATGCCCATGGTTTCGGTGACATTACTGGCTATAAGT[C>T]GGGCTTTCTTCAGAGCGTCAATAAAGTCAGCAGAGGTCTGCAGCACGGTGTGGTAGGTCA-3'
Protein context (NP_000262.2, residues 1049-1069): ADFIDALKKA[Arg1059Gln]LIASNVTETM